The following is an entry in ClinVar:

NM_002693.3(POLG):c.3701_3702insT (p.Ser1235fs)

Genes: FANCI (FA complementation group I; plus strand), POLG (DNA polymerase gamma, catalytic subunit; minus strand). Cytogenetic location: 15q26.1.
Variant type: Insertion.
Coding change: c.3701_3702insT on transcript NM_002693.3 (MANE Select); coding-DNA positions 3701 to 3702, T inserted.
Protein change: p.Ser1235fs; shifts the reading frame from serine 1235.
Molecular consequence: frameshift variant. On other transcripts: 3 prime UTR variant (4).
Genome position: GRCh38 VCF-style: chr15-89316769-T-TA. GRCh37 (hg19) VCF-style: chr15-89860000-T-TA.
Other names: c.3701_3702insT, p.Ser1235fs (NM_001126131.2); c.*310_*311insA (NM_001113378.2, NM_001376910.1, NM_001376911.1 and 1 more transcripts); short protein forms S1235fs.
Identifiers: ClinVar variation 945006 (VCV000945006.8), dbSNP rs2055280453, ClinGen allele CA1139664133.
Genomic context (GRCh38, chr15:89,316,769, plus strand): 5'-GATGAAGCTCCACGGGAGCAAATACAGAGCCTCCAGGCAGTGCTATGGTCCAGGCTGGCT[T>TA]CGTTTTTCCAAGGAGCCTTTGGTGAGTTCAATTATCTGGTAAATATCCAGCGCTTCACCT-3'

ClinVar aggregate classification (germline): Uncertain significance (1 of 4 stars; one submission).

Conditions:
Progressive sclerosing poliodystrophy (MTDPS4A). Also called: NEURONAL DEGENERATION OF CHILDHOOD WITH LIVER DISEASE, PROGRESSIVE; ALPERS PROGRESSIVE INFANTILE POLIODYSTROPHY; Mitochondrial DNA Depletion Syndrome 4A; Alpers-Huttenlocher Syndrome (AHS); Alpers Syndrome; ALPERS DIFFUSE DEGENERATION OF CEREBRAL GRAY MATTER WITH HEPATIC CIRRHOSIS. Identifiers: Orphanet 726, MedGen C0205710, MONDO:0008758, OMIM 203700.

Submission:

Labcorp Genetics (formerly Invitae), Labcorp
Classification: Uncertain significance for Progressive sclerosing poliodystrophy. Last evaluated: 2019-07-26. Review status: criteria provided, single submitter. Criteria: Invitae Variant Classification Sherloc (09022015). Collection method: clinical testing. Allele origin: germline.
Comment: This variant is not present in population databases (ExAC no frequency). This sequence change results in a premature translational stop signal in the POLG gene (p.Ser1235Lysfs*48). While this is not anticipated to result in nonsense mediated decay, it is expected to disrupt the last 5 amino acids of the POLG protein. This variant has not been reported in the literature in individuals with POLG-related conditions. Algorithms developed to predict the effect of sequence changes on RNA splicing suggest that this variant may create or strengthen a splice site, but this prediction has not been confirmed by published transcriptional studies. In summary, the available evidence is currently insufficient to determine the role of this variant in disease. Therefore, it has been classified as a Variant of Uncertain Significance.